The following is an entry in ClinVar:

ClinVar aggregate classification (germline): Benign/Likely benign. Review status: criteria provided, multiple submitters, no conflicts (2 of 4 stars). 5 submissions from 5 submitters: Benign (1); Likely benign (4). Last evaluated 2024-05-20.

Conditions:
Hereditary cancer-predisposing syndrome. Also called: Tumor predisposition; Hereditary Cancer Syndrome; Hereditary neoplastic syndrome; Neoplastic Syndromes, Hereditary. Identifiers: Orphanet 140162, MedGen C0027672, MeSH D009386, MONDO:0015356.
Familial cancer of breast. Also called: hereditary breast carcinoma; BREAST CANCER, FAMILIAL; Hereditary breast cancer. Identifiers: Orphanet 227535, MedGen C0346153, MONDO:0016419, OMIM 114480. Disease mechanism: loss of function.
Ataxia-telangiectasia syndrome (AT). Also called: Ataxia telangiectasia (A-T); LOUIS-BAR SYNDROME; Cerebello-oculocutaneous telangiectasia; Immunodeficiency with ataxia telangiectasia; ATAXIA-TELANGIECTASIA, COMPLEMENTATION GROUP A; ATAXIA-TELANGIECTASIA, FRESNO VARIANT. Identifiers: Orphanet 100, MedGen C0004135, MONDO:0008840, OMIM 208900.

Submissions (5):

Myriad Genetics, Inc.
Classification: Benign for Familial cancer of breast. Last evaluated: 2024-05-20. Review status: criteria provided, single submitter. Criteria: Myriad Autosomal Dominant, Autosomal Recessive and X-Linked Classification Criteria (2023). Collection method: clinical testing. Allele origin: unknown.
Comment: This variant is considered benign. This variant is a silent/synonymous amino acid change and it is not expected to impact splicing.

Labcorp Genetics (formerly Invitae), Labcorp
Classification: Likely benign for Ataxia-telangiectasia syndrome. Last evaluated: 2024-02-11. Review status: criteria provided, single submitter. Criteria: Invitae Variant Classification Sherloc (09022015). Collection method: clinical testing. Allele origin: germline.

Color Diagnostics, LLC DBA Color Health
Classification: Likely benign for Hereditary cancer-predisposing syndrome. Last evaluated: 2019-04-30. Review status: criteria provided, single submitter. Criteria: ACMG Guidelines, 2015. Collection method: clinical testing. Allele origin: germline.

GeneDx
Classification: Likely benign. Last evaluated: 2016-06-23. Review status: criteria provided, single submitter. Criteria: GeneDx Variant Classification (06012015). Collection method: clinical testing. Allele origin: germline. Affected: yes.
Comment: This variant is considered likely benign or benign based on one or more of the following criteria: it is a conservative change, it occurs at a poorly conserved position in the protein, it is predicted to be benign by multiple in silico algorithms, and/or has population frequency not consistent with disease.

Ambry Genetics
Classification: Likely benign for Hereditary cancer-predisposing syndrome. Last evaluated: 2015-08-11. Review status: criteria provided, single submitter. Criteria: Ambry Variant Classification Scheme 2023. Collection method: clinical testing. Allele origin: germline.

NM_000051.4(ATM):c.4668T>C (p.Tyr1556=)

Gene: ATM (ATM serine/threonine kinase; plus strand). Cytogenetic location: 11q22.3.
Variant type: single nucleotide variant.
Coding change: c.4668T>C on transcript NM_000051.4 (MANE Select); coding-DNA position 4668, T replaced by C.
Protein change: p.Tyr1556=; no amino-acid change (tyrosine 1556 retained).
Molecular consequence: synonymous variant.
Genome position (GRCh38, 1-based): chr11:108,293,369, T>C. VCF-style: chr11-108293369-T-C. GRCh37 (hg19) VCF-style: chr11-108164096-T-C.
Other names: c.4668T>C, p.Tyr1556= (NM_001351834.2).
Identifiers: ClinVar variation 233418 (VCV000233418.15), dbSNP rs766438805, ClinGen allele CA10579162.